The following is an entry in ClinVar:

NM_001376.5(DYNC1H1):c.11893T>G (p.Ser3965Ala)

Gene: DYNC1H1 (dynein cytoplasmic 1 heavy chain 1; plus strand). Cytogenetic location: 14q32.31.
Variant type: single nucleotide variant.
Coding change: c.11893T>G on transcript NM_001376.5 (MANE Select); coding-DNA position 11893, T replaced by G.
Protein change: p.Ser3965Ala; replaces serine 3965 with alanine.
Molecular consequence: missense variant.
Genome position (GRCh38, 1-based): chr14:102,040,625, T>G. VCF-style: chr14-102040625-T-G. GRCh37 (hg19) VCF-style: chr14-102506962-T-G.
Other names: short protein forms S3965A.
Identifiers: ClinVar variation 2782394 (VCV002782394.3), dbSNP rs2152595840, ClinGen allele CA391037279.

ClinVar aggregate classification (germline): Uncertain significance (1 of 4 stars; one submission).

Conditions:
Charcot-Marie-Tooth disease axonal type 2O. Also called: CHARCOT-MARIE-TOOTH NEUROPATHY, AXONAL, TYPE 2O; CHARCOT-MARIE-TOOTH DISEASE, AXONAL, AUTOSOMAL DOMINANT, TYPE 2O; Charcot-Marie-Tooth Neuropathy Type 2O; Charcot-Marie-Tooth disease, axonal, type 20. Identifiers: Orphanet 284232, MedGen C3280220, MONDO:0013644, OMIM 614228.

Allele frequency attached by ClinVar (database versions not stated): gnomAD exomes below 0.00001.
gnomAD v4.1: 2 of 1,614,184 alleles (0.00012%); highest among the groups gnomAD compares: Non-Finnish European, 0.00017%; no homozygotes.

Submission:

Labcorp Genetics (formerly Invitae), Labcorp
Classification: Uncertain significance for Charcot-Marie-Tooth disease axonal type 2O. Last evaluated: 2025-07-09. Review status: criteria provided, single submitter. Criteria: Invitae Variant Classification Sherloc (09022015). Collection method: clinical testing. Allele origin: germline.
Comment: This sequence change replaces serine, which is neutral and polar, with alanine, which is neutral and non-polar, at codon 3965 of the DYNC1H1 protein (p.Ser3965Ala). This variant is not present in population databases (gnomAD no frequency). This variant has not been reported in the literature in individuals affected with DYNC1H1-related conditions. ClinVar contains an entry for this variant (Variation ID: 2782394). Invitae Evidence Modeling of protein sequence and biophysical properties (such as structural, functional, and spatial information, amino acid conservation, physicochemical variation, residue mobility, and thermodynamic stability) indicates that this missense variant is not expected to disrupt DYNC1H1 protein function with a negative predictive value of 95%. In summary, the available evidence is currently insufficient to determine the role of this variant in disease. Therefore, it has been classified as a Variant of Uncertain Significance.